The following is an entry in ClinVar:

NM_000069.3(CACNA1S):c.2419C>T (p.Leu807Phe)

Gene: CACNA1S (calcium voltage-gated channel subunit alpha1 S; minus strand). Cytogenetic location: 1q32.1.
Variant type: single nucleotide variant.
Coding change: c.2419C>T on transcript NM_000069.3 (MANE Select); coding-DNA position 2419, C replaced by T.
Protein change: p.Leu807Phe; replaces leucine 807 with phenylalanine.
Molecular consequence: missense variant.
Genome position (GRCh38, 1-based): chr1:201,069,543, G>A on the plus strand (C>T on the coding strand, the complement: CACNA1S is on the minus strand). VCF-style: chr1-201069543-G-A. GRCh37 (hg19) VCF-style: chr1-201038671-G-A.
Other names: short protein forms L807F.
Identifiers: ClinVar variation 294746 (VCV000294746.9), dbSNP rs773958053, ClinGen allele CA10609326.

ClinVar aggregate classification (germline): Uncertain significance. Review status: criteria provided, multiple submitters, no conflicts (2 of 4 stars). 4 submissions from 4 submitters: Uncertain significance (4). Last evaluated 2025-03-21.

Conditions:
CACNA1S-related disorder. Also called: CACNA1S-related condition.
Hypokalemic periodic paralysis, type 1. Also called: HypoPP; Hypokalemic Periodic Paralysis Type 1 (AD). Identifiers: Orphanet 681, MedGen C3714580, MONDO:0042979, OMIM 170400.
Malignant hyperthermia, susceptibility to, 5 (MHS5). Also called: CACNA1S-Related Malignant Hyperthermia Susceptibility. Identifiers: Orphanet 423, MedGen C1866077, MONDO:0011163, OMIM 601887.

Allele frequency attached by ClinVar (database versions not stated): TOPMed 0.00001.

Submissions (4):

PreventionGenetics, part of Exact Sciences
Classification: Uncertain significance for CACNA1S-related condition. Last evaluated: 2025-03-21. Review status: criteria provided, single submitter. Criteria: ACMG Guidelines, 2015. Collection method: clinical testing. Allele origin: germline.
Comment: The CACNA1S c.2419C>T variant is predicted to result in the amino acid substitution p.Leu807Phe. To our knowledge, this variant has not been reported in the literature. This variant is reported in 0.0068% of alleles in individuals of East Asian descent in gnomAD. At this time, the clinical significance of this variant is uncertain due to the absence of conclusive functional and genetic evidence.

Revvity Omics, Revvity
Classification: Uncertain significance. Last evaluated: 2024-11-20. Review status: criteria provided, single submitter. Criteria: ACMG Guidelines, 2015. Collection method: clinical testing. Allele origin: germline.

Labcorp Genetics (formerly Invitae), Labcorp
Classification: Uncertain significance for Hypokalemic periodic paralysis, type 1; Malignant hyperthermia, susceptibility to, 5. Last evaluated: 2024-08-12. Review status: criteria provided, single submitter. Criteria: Invitae Variant Classification Sherloc (09022015). Collection method: clinical testing. Allele origin: germline.
Comment: This sequence change replaces leucine, which is neutral and non-polar, with phenylalanine, which is neutral and non-polar, at codon 807 of the CACNA1S protein (p.Leu807Phe). This variant is present in population databases (no rsID available, gnomAD 0.007%). This variant has not been reported in the literature in individuals affected with CACNA1S-related conditions. ClinVar contains an entry for this variant (Variation ID: 294746). Advanced modeling of protein sequence and biophysical properties (such as structural, functional, and spatial information, amino acid conservation, physicochemical variation, residue mobility, and thermodynamic stability) performed at Invitae indicates that this missense variant is not expected to disrupt CACNA1S protein function with a negative predictive value of 80%. In summary, the available evidence is currently insufficient to determine the role of this variant in disease. Therefore, it has been classified as a Variant of Uncertain Significance.

Illumina Laboratory Services, Illumina
Classification: Uncertain significance for Hypokalemic periodic paralysis, type 1. Last evaluated: 2018-01-12. Review status: criteria provided, single submitter. Criteria: ICSL Variant Classification Criteria 13 December 2019. Collection method: clinical testing. Allele origin: germline.